The following is an entry in ClinVar:

ClinVar aggregate classification (germline): Uncertain significance (1 of 4 stars; one submission).

Submission:

CeGaT Center for Human Genetics Tuebingen
Classification: Uncertain significance. Last evaluated: 2025-11-01. Review status: criteria provided, single submitter. Criteria: CeGaT Center For Human Genetics Tuebingen Variant Classification Criteria Version 2. Collection method: clinical testing. Allele origin: germline. Affected: yes. Observed: 1 variant allele.
Comment: PRKD1: PM2

NM_002742.3(PRKD1):c.2428C>A (p.His810Asn)

Gene: PRKD1 (protein kinase D1; minus strand). Cytogenetic location: 14q12.
Variant type: single nucleotide variant.
Coding change: c.2428C>A on transcript NM_002742.3 (MANE Select); coding-DNA position 2428, C replaced by A.
Protein change: p.His810Asn; replaces histidine 810 with asparagine.
Molecular consequence: missense variant.
Genome position (GRCh38, 1-based): chr14:29,597,497, G>T on the plus strand (C>A on the coding strand, the complement: PRKD1 is on the minus strand). VCF-style: chr14-29597497-G-T. GRCh37 (hg19) VCF-style: chr14-30066703-G-T.
Other names: c.2452C>A, p.His818Asn (NM_001330069.2); c.2164C>A, p.His722Asn (NM_001348390.1); short protein forms H722N, H810N, H818N.
Identifiers: ClinVar variation 4533608 (VCV004533608.6).